The following is an entry in ClinVar:

NM_001385012.1(NBEA):c.4089A>G (p.Thr1363=)

Gene: NBEA (neurobeachin; plus strand). Cytogenetic location: 13q13.3.
Variant type: single nucleotide variant.
Coding change: c.4089A>G on transcript NM_001385012.1 (MANE Select); coding-DNA position 4089, A replaced by G.
Protein change: p.Thr1363=; no amino-acid change (threonine 1363 retained).
Molecular consequence: synonymous variant.
Genome position (GRCh38, 1-based): chr13:35,164,365, A>G. VCF-style: chr13-35164365-A-G. GRCh37 (hg19) VCF-style: chr13-35738502-A-G.
Other names: c.4089A>G, p.Thr1363= (NM_001379245.1, NM_015678.5).
Identifiers: ClinVar variation 3058734 (VCV003058734.2), dbSNP rs202212960, ClinGen allele CA6946752.

ClinVar aggregate classification (germline): Likely benign (0 of 4 stars; one submission).

Conditions:
NBEA-related disorder. Also called: NBEA-related condition.

Allele frequency attached by ClinVar (database versions not stated): ExAC 0.00005; gnomAD 0.00006; TOPMed 0.00006; gnomAD exomes 0.00011.
gnomAD v4.1: 164 of 1,579,064 alleles (0.01%); highest among the groups gnomAD compares: Non-Finnish European, 0.013%; no homozygotes.

Submission:

PreventionGenetics, part of Exact Sciences
Classification: Likely benign for NBEA-related condition. Last evaluated: 2019-02-26. Review status: no assertion criteria provided. Collection method: clinical testing. Allele origin: germline.
Comment: This variant is classified as likely benign based on ACMG/AMP sequence variant interpretation guidelines (Richards et al. 2015 PMID: 25741868, with internal and published modifications).